The following is an entry in ClinVar:

ClinVar aggregate classification (germline): Uncertain significance (1 of 4 stars; one submission).

Submission:

GeneDx
Classification: Uncertain significance. Last evaluated: 2023-02-21. Review status: criteria provided, single submitter. Criteria: GeneDx Variant Classification Process June 2021. Collection method: clinical testing. Allele origin: germline. Affected: yes.
Comment: Not observed at significant frequency in large population cohorts (gnomAD); In silico analysis supports that this missense variant does not alter protein structure/function; Has not been previously published as pathogenic or benign to our knowledge

NM_015365.3(AMMECR1):c.23T>A (p.Val8Glu)

Gene: AMMECR1 (AMMECR nuclear protein 1; minus strand). Cytogenetic location: Xq23.
Variant type: single nucleotide variant.
Coding change: c.23T>A on transcript NM_015365.3 (MANE Select); coding-DNA position 23, T replaced by A.
Protein change: p.Val8Glu; replaces valine 8 with glutamic acid.
Molecular consequence: missense variant. On other transcripts: intron variant (1).
Genome position (GRCh38, 1-based): chrX:110,318,049, A>T on the plus strand (T>A on the coding strand, the complement: AMMECR1 is on the minus strand). VCF-style: chrX-110318049-A-T. GRCh37 (hg19) VCF-style: chrX-109561277-A-T.
Other names: c.23T>A, p.Val8Glu (NM_001025580.2); c.-147-200T>A (NM_001171689.2); short protein forms V8E.
Identifiers: ClinVar variation 2579928 (VCV002579928.1), dbSNP rs1452167464, ClinGen allele CA414223934.